The following is an entry in ClinVar:

NM_015662.3(IFT172):c.113G>C (p.Arg38Pro)

Gene: IFT172 (intraflagellar transport 172; minus strand). Cytogenetic location: 2p23.3.
Variant type: single nucleotide variant.
Coding change: c.113G>C on transcript NM_015662.3 (MANE Select); coding-DNA position 113, G replaced by C.
Protein change: p.Arg38Pro; replaces arginine 38 with proline.
Molecular consequence: missense variant.
Genome position (GRCh38, 1-based): chr2:27,485,430, C>G on the plus strand (G>C on the coding strand, the complement: IFT172 is on the minus strand). VCF-style: chr2-27485430-C-G. GRCh37 (hg19) VCF-style: chr2-27708297-C-G.
Other names: c.113G>C, p.Arg38Pro (NM_001410739.1); short protein forms R38P.
Identifiers: ClinVar variation 4986216 (VCV004986216.1).

ClinVar aggregate classification (germline): Uncertain significance (1 of 4 stars; one submission).

Conditions:
IFT172-related disorder. Also called: IFT172-related condition; IFT172-related disorders.

gnomAD v4.1: 2 of 1,614,180 alleles (0.00012%); highest among the groups gnomAD compares: Admixed American, 0.0033%; no homozygotes.

Submission:

PreventionGenetics, part of Exact Sciences
Classification: Uncertain significance for IFT172-related condition. Last evaluated: 2025-05-16. Review status: criteria provided, single submitter. Criteria: ACMG Guidelines, 2015. Collection method: clinical testing. Allele origin: germline.
Comment: The IFT172 c.113G>C variant is predicted to result in the amino acid substitution p.Arg38Pro. To our knowledge, this variant has not been reported in the literature. This variant is reported in 0.0058% of alleles in individuals of Latino descent in gnomAD. At this time, the clinical significance of this variant is uncertain due to the absence of conclusive functional and genetic evidence.